The following is an entry in ClinVar:

ClinVar aggregate classification (germline): Uncertain significance (1 of 4 stars; one submission).

Allele frequency attached by ClinVar (database versions not stated): ExAC 0.00001; ESP Exome Variant Server 0.00008.
gnomAD v4.1: 4 of 1,612,692 alleles (0.00025%); highest among the groups gnomAD compares: Non-Finnish European, 0.00034%; no homozygotes.

Submission:

Labcorp Genetics (formerly Invitae), Labcorp
Classification: Uncertain significance. Last evaluated: 2022-10-05. Review status: criteria provided, single submitter. Criteria: Invitae Variant Classification Sherloc (09022015). Collection method: clinical testing. Allele origin: germline.
Comment: This variant is present in population databases (rs377035028, gnomAD 0.002%). This sequence change falls in intron 20 of the COL11A1 gene. It does not directly change the encoded amino acid sequence of the COL11A1 protein. It affects a nucleotide within the consensus splice site. This variant has not been reported in the literature in individuals affected with COL11A1-related conditions. Variants that disrupt the consensus splice site are a relatively common cause of aberrant splicing (PMID: 17576681, 9536098). Algorithms developed to predict the effect of sequence changes on RNA splicing suggest that this variant may disrupt the consensus splice site. In summary, the available evidence is currently insufficient to determine the role of this variant in disease. Therefore, it has been classified as a Variant of Uncertain Significance.

Literature cited by the submitters: PubMed 17576681; PubMed 9536098.

NM_001854.4(COL11A1):c.1945-3T>A

Gene: COL11A1 (collagen type XI alpha 1 chain; minus strand). Cytogenetic location: 1p21.1.
Variant type: single nucleotide variant.
Coding change: c.1945-3T>A on transcript NM_001854.4 (MANE Select); 3 bases into the intron before coding-DNA position 1945, T replaced by A.
Molecular consequence: intron variant.
Genome position (GRCh38, 1-based): chr1:103,003,271, A>T on the plus strand (T>A on the coding strand, the complement: COL11A1 is on the minus strand). VCF-style: chr1-103003271-A-T. GRCh37 (hg19) VCF-style: chr1-103468827-A-T.
Other names: c.1828-3T>A (NM_001190709.2); c.1981-3T>A (NM_080629.3); c.1597-3T>A (NM_080630.4).
Identifiers: ClinVar variation 2107914 (VCV002107914.4), dbSNP rs377035028, ClinGen allele CA974723.
Genomic context (GRCh38, chr1:103,003,271, plus strand): 5'-ATACAGGCTGCCCTGGAGCTCCTGGAGTTCCCCTTGGACCCAGCAAACCTCGTGGGCCCT[A>T]GGAGAAAAAGAAAAAGCACGCCTTTATTAAAAAAAAAAAATGTCCTAATAACATGCCTCT-3'